The following is an entry in ClinVar:

ClinVar aggregate classification (germline): Uncertain significance (1 of 4 stars; one submission).

Allele frequency attached by ClinVar (database versions not stated): gnomAD 0.00001.
gnomAD v4.1: 9 of 1,553,486 alleles (0.00058%); highest among the groups gnomAD compares: Non-Finnish European, 0.00078%; no homozygotes.

Submission:

GeneDx
Classification: Uncertain significance. Last evaluated: 2022-09-29. Review status: criteria provided, single submitter. Criteria: GeneDx Variant Classification Process June 2021. Collection method: clinical testing. Allele origin: germline. Affected: yes.
Comment: Has not been previously published as pathogenic or benign to our knowledge; Not observed at significant frequency in large population cohorts (gnomAD); In silico analysis supports that this missense variant does not alter protein structure/function

NM_022114.4(PRDM16):c.3481C>G (p.Pro1161Ala)

Gene: PRDM16 (PR/SET domain 16; plus strand). Cytogenetic location: 1p36.32.
Variant type: single nucleotide variant.
Coding change: c.3481C>G on transcript NM_022114.4 (MANE Select); coding-DNA position 3481, C replaced by G.
Protein change: p.Pro1161Ala; replaces proline 1161 with alanine.
Molecular consequence: missense variant.
Genome position (GRCh38, 1-based): chr1:3,431,068, C>G. VCF-style: chr1-3431068-C-G. GRCh37 (hg19) VCF-style: chr1-3347632-C-G.
Other names: c.3481C>G, p.Pro1161Ala (NM_199454.3); short protein forms P1161A.
Identifiers: ClinVar variation 2446656 (VCV002446656.1), dbSNP rs1638753402, ClinGen allele CA338004261.